The following is an entry in ClinVar:

ClinVar aggregate classification (germline): Uncertain significance (1 of 4 stars; one submission).

Allele frequency attached by ClinVar (database versions not stated): gnomAD 0.00002; TOPMed 0.00001; ExAC 0.00002.
gnomAD v4.1: 30 of 1,504,578 alleles (0.002%); highest among the groups gnomAD compares: Non-Finnish European, 0.0026%; no homozygotes.

Submission:

Labcorp Genetics (formerly Invitae), Labcorp
Classification: Uncertain significance. Last evaluated: 2024-10-23. Review status: criteria provided, single submitter. Criteria: Invitae Variant Classification Sherloc (09022015). Collection method: clinical testing. Allele origin: germline.
Comment: This sequence change replaces lysine, which is basic and polar, with arginine, which is basic and polar, at codon 126 of the RPS6KC1 protein (p.Lys126Arg). This variant is present in population databases (rs750046943, gnomAD 0.004%). This variant has not been reported in the literature in individuals affected with RPS6KC1-related conditions. ClinVar contains an entry for this variant (Variation ID: 1958126). An algorithm developed to predict the effect of missense changes on protein structure and function (PolyPhen-2) suggests that this variant is likely to be disruptive. Algorithms developed to predict the effect of sequence changes on RNA splicing suggest that this variant may disrupt the consensus splice site. In summary, the available evidence is currently insufficient to determine the role of this variant in disease. Therefore, it has been classified as a Variant of Uncertain Significance.

NM_012424.6(RPS6KC1):c.377A>G (p.Lys126Arg)

Gene: RPS6KC1 (ribosomal protein S6 kinase C1; plus strand). Cytogenetic location: 1q32.3.
Variant type: single nucleotide variant.
Coding change: c.377A>G on transcript NM_012424.6 (MANE Select); coding-DNA position 377, A replaced by G.
Protein change: p.Lys126Arg; replaces lysine 126 with arginine.
Molecular consequence: missense variant. On other transcripts: 5 prime UTR variant (27), non-coding transcript variant (4).
Genome position (GRCh38, 1-based): chr1:213,104,568, A>G. VCF-style: chr1-213104568-A-G. GRCh37 (hg19) VCF-style: chr1-213277910-A-G.
Other names: c.341A>G, p.Lys114Arg (NM_001136138.4); c.-245A>G (NM_001287218.3, NM_001349650.2, NM_001349653.2 and 1 more transcripts); c.-167A>G (NM_001287219.3, NM_001287221.3, NM_001349648.2 and 1 more transcripts); c.-838A>G (NM_001287220.3, NM_001349666.2, NM_001349667.2 and 1 more transcripts); c.377A>G, p.Lys126Arg (NM_001349646.2, NM_001349647.2); c.-366A>G (NM_001349651.2); c.-316A>G (NM_001349652.2); c.-58A>G (NM_001349657.2); and 9 more; short protein forms K126R, K114R.
Identifiers: ClinVar variation 1958126 (VCV001958126.5), dbSNP rs750046943, ClinGen allele CA1387131.